The following is an entry in ClinVar:

ClinVar aggregate classification (germline): Conflicting classifications of pathogenicity. Review status: criteria provided, conflicting classifications (1 of 4 stars). 2 submissions from 2 submitters: Likely pathogenic (1); Uncertain significance (1). Last evaluated 2026-04-06.

Conditions:
Hereditary cancer-predisposing syndrome. Also called: Hereditary neoplastic syndrome; Neoplastic Syndromes, Hereditary; Tumor predisposition; Hereditary Cancer Syndrome. Identifiers: Orphanet 140162, MedGen C0027672, MeSH D009386, MONDO:0015356.
Paragangliomas with sensorineural hearing loss. Identifiers: MedGen C1868633.
Carney-Stratakis syndrome. Also called: PARAGANGLIOMA AND GASTROINTESTINAL STROMAL TUMOR. Identifiers: Orphanet 97286, MedGen C1847319, MONDO:0011740, OMIM 606864.
Cowden syndrome 3 (CWS3). Identifiers: Orphanet 201, MedGen CN166604, MONDO:0014045.
Pheochromocytoma. Also called: MAX-Related Hereditary Paraganglioma-Pheochromocytoma Syndrome. Identifiers: Orphanet 29072, MedGen C0031511, MONDO:0008233, OMIM 171300, HP:0002666.

Allele frequency attached by ClinVar (database versions not stated): gnomAD exomes below 0.00001; TOPMed below 0.00001; gnomAD 0.00001.
gnomAD v4.1: 2 of 1,601,284 alleles (0.00012%); highest among the groups gnomAD compares: Non-Finnish European, 0.000086%; no homozygotes.

Submissions (2):

Ambry Genetics
Classification: Uncertain significance for Hereditary cancer-predisposing syndrome. Last evaluated: 2026-04-06. Review status: criteria provided, single submitter. Criteria: Ambry Variant Classification Scheme 2023. Collection method: clinical testing. Allele origin: germline.
Comment: The c.53-1G>T intronic variant results from a G to T substitution one nucleotide upstream from coding exon 2 of the SDHD gene. Variants that disrupt the canonical splice site are expected to result in aberrant splicing. In silico splice site analysis predicts that this alteration will weaken the native splice acceptor site and may result in the creation or strengthening of a novel splice acceptor site. A resulting transcript is predicted to be in-frame and is not expected to trigger nonsense-mediated mRNAdecay; however, direct evidence is insufficient at this time (Ambry internal data). Based on the available evidence, the clinical significance of this variant remains unclear.

Labcorp Genetics (formerly Invitae), Labcorp
Classification: Likely pathogenic for Carney-Stratakis syndrome; Paragangliomas with sensorineural hearing loss; Pheochromocytoma; Cowden syndrome 3. Last evaluated: 2022-11-25. Review status: criteria provided, single submitter. Criteria: Invitae Variant Classification Sherloc (09022015). Collection method: clinical testing. Allele origin: germline.
Comment: This variant is not present in population databases (gnomAD no frequency). This sequence change affects an acceptor splice site in intron 1 of the SDHD gene. It is expected to disrupt RNA splicing. Variants that disrupt the donor or acceptor splice site typically lead to a loss of protein function (PMID: 16199547), and loss-of-function variants in SDHD are known to be pathogenic (PMID: 19454582, 19802898). This variant has not been reported in the literature in individuals affected with SDHD-related conditions. ClinVar contains an entry for this variant (Variation ID: 1067485). Algorithms developed to predict the effect of sequence changes on RNA splicing suggest that this variant may disrupt the consensus splice site. In summary, the currently available evidence indicates that the variant is pathogenic, but additional data are needed to prove that conclusively. Therefore, this variant has been classified as Likely Pathogenic.

Literature cited by the submitters: PubMed 16199547 (cited by Labcorp Genetics (formerly Invitae), Labcorp); PubMed 19454582 (cited by Labcorp Genetics (formerly Invitae), Labcorp); PubMed 19802898 (cited by Labcorp Genetics (formerly Invitae), Labcorp).

NM_003002.4(SDHD):c.53-1G>T

Gene: SDHD (succinate dehydrogenase complex subunit D; plus strand). Cytogenetic location: 11q23.1.
Variant type: single nucleotide variant.
Coding change: c.53-1G>T on transcript NM_003002.4 (MANE Select); the canonical splice acceptor site of the intron before coding-DNA position 53, G replaced by T.
Molecular consequence: splice acceptor variant. On other transcripts: intron variant (1).
Genome position (GRCh38, 1-based): chr11:112,087,856, G>T. VCF-style: chr11-112087856-G-T. GRCh37 (hg19) VCF-style: chr11-111958580-G-T.
Other names: c.53-1G>T (NM_003002.2, NM_001276506.2, NM_001276503.2); c.52+897G>T (NM_001276504.2).
Identifiers: ClinVar variation 1067485 (VCV001067485.9), dbSNP rs1291507545, ClinGen allele CA382616904.